The following is an entry in ClinVar:

ClinVar aggregate classification (germline): Pathogenic/Likely pathogenic. Review status: criteria provided, multiple submitters, no conflicts (2 of 4 stars). 12 submissions from 12 submitters: Pathogenic (10); Likely pathogenic (1). 1 of the submissions does not count toward it. Last evaluated 2026-09-02.

Conditions:
CTCF-related disorder. Also called: CTCF-related condition. Identifiers: MedGen CN381101.
CTCF-related syndromic intellectual disability.
Inborn genetic diseases. Identifiers: MedGen C0950123, MeSH D030342.
CTCF-related neurodevelopmental disorder. Also called: INTELLECTUAL DEVELOPMENTAL DISORDER, AUTOSOMAL DOMINANT 21; Intellectual disability-feeding difficulties-developmental delay-microcephaly syndrome. Identifiers: Orphanet 363611, MedGen C3809686, MONDO:0014213, OMIM 615502.
Intellectual disability. Also called: Intellectual functioning disability; intellectual disabilities; Intellectual developmental disorder. Identifiers: MedGen C3714756, MeSH D008607, MONDO:0001071, HP:0001249.

Submissions (12):

GeneDx
Classification: Pathogenic. Last evaluated: 2026-09-02. Review status: criteria provided, single submitter. Criteria: GeneDx Variant Classification Process June 2021. Collection method: clinical testing. Allele origin: germline.
Comment: Published functional studies demonstrate a damaging effect on DNA binding, chromatin organization, and neurodevelopmental function in vitro (PMID: 38951485); Not observed at significant frequency in large population cohorts (gnomAD); In silico analysis suggests that this missense variant does not alter protein structure/function; This variant is associated with the following publications: (PMID: 33057194, 34374989, 36085161, 36454652, 33149276, 35982159, 30893510, 38054406, 38170291, 28319062, 31239556, 33144682, 33644862, 23746550, 38951485)

PreventionGenetics, part of Exact Sciences
Classification: Pathogenic for CTCF-related condition. Last evaluated: 2026-08-21. Review status: criteria provided, single submitter. Criteria: ACMG Guidelines, 2015. Collection method: clinical testing. Allele origin: germline.
Comment: The CTCF c.1699C>T variant is predicted to result in the amino acid substitution p.Arg567Trp. This variant has been reported de novo in multiple individuals with autosomal dominant intellectual developmental disorder 21, and in vitro functional studies support its pathogenicity (for example, see Gregor et al. 2013. PubMed ID: 23746550; Chen et al. 2019. PubMed ID: 30893510; Shangguan et al. 2024. PubMed ID: 38170291; Chen et al. 2023. PubMed ID: 36847142). Additional studies using a knock-in mouse model found that heterozygous mice presented with a milder developmental phenotype, whereas homozygous mice experienced perinatal lethality due to severe abnormalities (Zhang et al. 2024. PubMed ID: 38951485; Ren et al. 2025. PubMed ID: 39682078). This variant has not been reported in a large population database (gnomAD), indicating this variant is rare. This variant is interpreted as pathogenic.

Laboratory of Medical Genetics, University of Torino
Classification: Pathogenic for CTCF-related neurodevelopmental disorder. Last evaluated: 2026-06-29. Review status: criteria provided, single submitter. Criteria: ACMG Guidelines, 2015. Collection method: clinical testing. Allele origin: de novo. Affected: yes.

Dubai Health Genomic Medicine Center, Dubai Health
Classification: Pathogenic for Intellectual developmental disorder. Last evaluated: 2024-10-04. Review status: criteria provided, single submitter. Criteria: ACMG Guidelines, 2015. Collection method: research. Allele origin: germline. Affected: yes.
Comment: PS2,PS4,PM2,PP3

Ambry Genetics
Classification: Pathogenic for Inborn genetic diseases. Last evaluated: 2024-02-14. Review status: criteria provided, single submitter. Criteria: Ambry Variant Classification Scheme 2023. Collection method: clinical testing. Allele origin: germline.
Comment: The p.R567W pathogenic mutation (also known as c.1699C>T), located in coding exon 7 of the CTCF gene, results from a C to T substitution at nucleotide position 1699. The arginine at codon 567 is replaced by tryptophan, an amino acid with dissimilar properties. In one study, this variant was found to be de novo in an individual with severe intellectual disability, autistic features, microcephaly, and severe feeding difficulties. Protein expression studies and molecular modeling suggested no effect on protein expression; however, DNA-binding models suggested a possible decrease in DNA binding affinity and specificity (Gregor A et al. Am. J. Hum. Genet., 2013 Jul;93:124-31). This variant has also been reported as a de novo finding in multiple other individuals with clinical features of CTCF-related neurodevelopmental disorder (Chen F et al. Am J Med Genet C Semin Med Genet, 2019 Jun;181:218-225; Hiraide T et al. Clin Genet, 2021 Jul;100:40-50; Valverde de Morales HG et al. Am J Med Genet A, 2023 Mar;191:718-729). This variant is considered to be rare based on population cohorts in the Genome Aggregation Database (gnomAD). This amino acid position is highly conserved in available vertebrate species. In addition, this alteration is predicted to be deleterious by in silico analysis. Based on the supporting evidence, this alteration is interpreted as a disease-causing mutation.

Department of Endocrinology and Genetics, Fuzhou Children’s Hospital of Fujian Medical University
Classification: Pathogenic for CTCF-related neurodevelopmental disorder. Last evaluated: 2023-07-11. Review status: criteria provided, single submitter. Criteria: ACMG Guidelines, 2015. Collection method: clinical testing. Allele origin: de novo. Affected: yes.

Illumina Laboratory Services, Illumina
Classification: Pathogenic for CTCF-related syndromic intellectual disability. Last evaluated: 2022-01-26. Review status: criteria provided, single submitter. Criteria: ICSLVariantClassificationCriteria RUGD 01 April 2020. Collection method: clinical testing. Allele origin: unknown.
Comment: The CTCF c.1699C>T (p.Arg567Trp) missense variant results in the substitution of arginine at amino acid position 567 with tryptophan. This variant has been reported in a heterozygous state in at least five individuals with autosomal dominant syndromic intellectual disability (Gregor et al. 2013; Chen et al. 2019; Konrad et al. 2019; Hiraide et al. 2021; Salah et al. 2021). In all cases the variant was reported to have occurred de novo. This variant is not found in version 2.1.1 or version 3.1.2 of the Genome Aggregation Database. This variant was identified in a de novo state. Based on the available evidence, the c.1699C>T (p.Arg567Trp) variant is classified as pathogenic for CTCF-related syndromic intellectual disability.

Randwick Genomics Laboratory, Prince of Wales Hospital Sydney, Australia, New South Wales Health Pathology
Classification: Pathogenic for CTCF-related neurodevelopmental disorder. Last evaluated: 2021-08-03. Review status: criteria provided, single submitter. Criteria: ACMG Guidelines, 2015. Collection method: clinical testing. Allele origin: de novo. Inheritance: Autosomal dominant inheritance. Affected: yes. Observed: 1 variant allele, 1 heterozygote.

Institute of Human Genetics, University of Leipzig Medical Center
Classification: Pathogenic for CTCF-related neurodevelopmental disorder. Last evaluated: 2019-12-21. Review status: criteria provided, single submitter. Criteria: ACMG Guidelines, 2015. Collection method: clinical testing. Allele origin: de novo.

Mendelics
Classification: Pathogenic for CTCF-related neurodevelopmental disorder. Last evaluated: 2019-05-28. Review status: criteria provided, single submitter. Criteria: Mendelics Assertion Criteria 2017. Collection method: clinical testing. Allele origin: unknown.

Juno Genomics, Hangzhou Juno Genomics, Inc
Classification: Likely pathogenic for CTCF-related neurodevelopmental disorder. Review status: criteria provided, single submitter. Criteria: ACMG Guidelines, 2015. Collection method: clinical testing. Allele origin: germline. Affected: yes.
Comment: Absent from controls (or at extremely low frequency if recessive) in Genome Aggregation Database, Exome Sequencing Project, 1000 Genomes Project, or Exome Aggregation Consortium.;Missense variant in a gene that has a low rate of benign missense variation and where missense variants are a common mechanism of disease.;Assumed de novo, but without confirmation of paternity and maternity.;The prevalence of the variant in affected individuals is significantly increased compared to the prevalence in controls.;Patient's phenotype or family history is highly specific for a disease with a single genetic etiology.

OMIM
Classification: Pathogenic for INTELLECTUAL DEVELOPMENTAL DISORDER, AUTOSOMAL DOMINANT 21. Last evaluated: 2013-07-11. Review status: no assertion criteria provided. Collection method: literature only. Allele origin: germline. Not counted in ClinVar's aggregate classification.

Literature cited by the submitters: PubMed 23746550 (cited by 3 submitters); PubMed 30893510 (cited by 3 submitters); PubMed 33644862 (cited by Ambry Genetics and Illumina Laboratory Services, Illumina); PubMed 36454652 (cited by Ambry Genetics); PubMed 31239556 (cited by Illumina Laboratory Services, Illumina and Institute of Human Genetics, University of Leipzig Medical Center); PubMed 34374989 (cited by Illumina Laboratory Services, Illumina).

NM_006565.4(CTCF):c.1699C>T (p.Arg567Trp)

Gene: CTCF (CCCTC-binding factor; plus strand). Cytogenetic location: 16q22.1.
Variant type: single nucleotide variant.
Coding change: c.1699C>T on transcript NM_006565.4 (MANE Select); coding-DNA position 1699, C replaced by T.
Protein change: p.Arg567Trp; replaces arginine 567 with tryptophan.
Molecular consequence: missense variant.
Genome position (GRCh38, 1-based): chr16:67,628,550, C>T. VCF-style: chr16-67628550-C-T. GRCh37 (hg19) VCF-style: chr16-67662453-C-T.
Other names: c.715C>T, p.Arg239Trp (NM_001191022.2); c.1699C>T, p.Arg567Trp (NM_001363916.2); short protein forms R567W, R239W.
Identifiers: ClinVar variation 88638 (VCV000088638.31), dbSNP rs879255516, ClinGen allele CA10575614.